The following is an entry in ClinVar:

NM_001370.2(DNAH6):c.8229+8G>A

Gene: DNAH6 (dynein axonemal heavy chain 6; plus strand). Cytogenetic location: 2p11.2.
Variant type: single nucleotide variant.
Coding change: c.8229+8G>A on transcript NM_001370.2 (MANE Select); 8 bases into the intron after coding-DNA position 8229, G replaced by A.
Molecular consequence: intron variant.
Genome position (GRCh38, 1-based): chr2:84,703,570, G>A. VCF-style: chr2-84703570-G-A. GRCh37 (hg19) VCF-style: chr2-84930694-G-A.
Identifiers: ClinVar variation 3051715 (VCV003051715.2), dbSNP rs200205691, ClinGen allele CA1737507.

ClinVar aggregate classification (germline): Likely benign (0 of 4 stars; one submission).

Conditions:
DNAH6-related disorder. Also called: DNAH6-related condition.

Allele frequency attached by ClinVar (database versions not stated): 1000 Genomes Project 30x 0.00016; 1000 Genomes Project 0.00020; ESP Exome Variant Server 0.00022; gnomAD exomes 0.00036; ExAC 0.00044; gnomAD 0.00046; TOPMed 0.00063.
gnomAD v4.1: 574 of 1,541,672 alleles (0.037%); highest among the groups gnomAD compares: Middle Eastern, 0.12%; 2 homozygotes.

Submission:

PreventionGenetics, part of Exact Sciences
Classification: Likely benign for DNAH6-related condition. Last evaluated: 2020-01-08. Review status: no assertion criteria provided. Collection method: clinical testing. Allele origin: germline.
Comment: This variant is classified as likely benign based on ACMG/AMP sequence variant interpretation guidelines (Richards et al. 2015 PMID: 25741868, with internal and published modifications).